The following is an entry in ClinVar:

ClinVar aggregate classification (germline): Uncertain significance (1 of 4 stars; one submission).

Submission:

CeGaT Center for Human Genetics Tuebingen
Classification: Uncertain significance. Last evaluated: 2025-05-01. Review status: criteria provided, single submitter. Criteria: CeGaT Center For Human Genetics Tuebingen Variant Classification Criteria Version 2. Collection method: clinical testing. Allele origin: germline. Affected: yes. Observed: 3 variant alleles.
Comment: DNM2: PM2, PP2, PP3

NM_001005361.3(DNM2):c.1196+653G>A

Gene: DNM2 (dynamin 2; plus strand). Cytogenetic location: 19p13.2.
Variant type: single nucleotide variant.
Coding change: c.1196+653G>A on transcript NM_001005361.3 (MANE Select); 653 bases into the intron after coding-DNA position 1196, G replaced by A.
Molecular consequence: intron variant. On other transcripts: missense variant (3).
Genome position (GRCh38, 1-based): chr19:10,796,092, G>A. VCF-style: chr19-10796092-G-A. GRCh37 (hg19) VCF-style: chr19-10906768-G-A.
Other names: c.1228G>A, p.Glu410Lys (NM_001005360.3, NM_001190716.2, NM_004945.4); c.1196+653G>A (NM_001005362.3); short protein forms E410K.
Identifiers: ClinVar variation 3905696 (VCV003905696.10).